The following is an entry in ClinVar:

ClinVar aggregate classification (germline): Likely pathogenic. Review status: criteria provided, multiple submitters, no conflicts (2 of 4 stars). 2 submissions from 2 submitters: Likely pathogenic (2). Last evaluated 2025-09-02.

Conditions:
LAMA2-related muscular dystrophy (LAMA2-RD). Also called: Laminin alpha 2-related dystrophy. Identifiers: MedGen C5679788, MONDO:0100228.

Allele frequency attached by ClinVar (database versions not stated): gnomAD 0.00001 and 0.00003; TOPMed 0.00002.
gnomAD v4.1: 2 of 1,614,058 alleles (0.00012%); highest among the groups gnomAD compares: Non-Finnish European, 0.00017%; no homozygotes.

Submissions (2):

Labcorp Genetics (formerly Invitae), Labcorp
Classification: Likely pathogenic for LAMA2-related muscular dystrophy. Last evaluated: 2025-09-02. Review status: criteria provided, single submitter. Criteria: Invitae Variant Classification Sherloc (09022015). Collection method: clinical testing. Allele origin: germline.
Comment: This sequence change affects codon 1437 of the LAMA2 mRNA. It is a 'silent' change, meaning that it does not change the encoded amino acid sequence of the LAMA2 protein. This variant also falls at the last nucleotide of exon 29, which is part of the consensus splice site for this exon. This variant is present in population databases (no rsID available, gnomAD 0.007%). This variant has been observed in individual(s) with congenital muscular dystrophy (PMID: 28182637). In at least one individual the data is consistent with being in trans (on the opposite chromosome) from a pathogenic variant. ClinVar contains an entry for this variant (Variation ID: 477472). Variants that disrupt the consensus splice site are a relatively common cause of aberrant splicing (PMID: 17576681, 9536098). Algorithms developed to predict the effect of sequence changes on RNA splicing suggest that this variant may disrupt the consensus splice site. In summary, the currently available evidence indicates that the variant is pathogenic, but additional data are needed to prove that conclusively. Therefore, this variant has been classified as Likely Pathogenic.

Women's Health and Genetics/Laboratory Corporation of America, LabCorp
Classification: Likely pathogenic for LAMA2-related muscular dystrophy. Last evaluated: 2023-08-03. Review status: criteria provided, single submitter. Criteria: LabCorp Variant Classification Summary - May 2015. Collection method: clinical testing. Allele origin: germline.
Comment: Variant summary: LAMA2 c.4311G>A (p.Gln1437Gln) alters a conserved nucleotide located close to a canonical splice site and therefore could affect mRNA splicing, leading to a significantly altered protein sequence. Several computational tools predict a significant impact on normal splicing: Four predict the variant abolishes a canonical 5' splicing donor site. At least one publication reports experimental evidence confirming that this variant affects mRNA splicing (Liang_2017). The variant allele was found at a frequency of 1.3e-05 in 150988 control chromosomes (gnomAD v.3.1.2). c.4311G>A has been reported in the literature in at least one compound heterozygous individual affected with Congenital Muscular Dystrophy (Liang_2017). These data do not allow any conclusion about variant significance. The following publication has been ascertained in the context of this evaluation (PMID: 28182637). One ClinVar submitter has assessed the variant since 2014, and classified the variant as uncertain significance. Based on the evidence outlined above, the variant was classified as likely pathogenic.

Literature cited by the submitters: PubMed 28182637 (cited by Labcorp Genetics (formerly Invitae), Labcorp and Women's Health and Genetics/Laboratory Corporation of America, LabCorp); PubMed 17576681 (cited by Labcorp Genetics (formerly Invitae), Labcorp); PubMed 9536098 (cited by Labcorp Genetics (formerly Invitae), Labcorp).

NM_000426.4(LAMA2):c.4311G>A (p.Gln1437=)

Gene: LAMA2 (laminin subunit alpha 2; plus strand). Cytogenetic location: 6q22.33.
Variant type: single nucleotide variant.
Coding change: c.4311G>A on transcript NM_000426.4 (MANE Select); coding-DNA position 4311, G replaced by A.
Protein change: p.Gln1437=; no amino-acid change (glutamine 1437 retained).
Molecular consequence: synonymous variant.
Genome position (GRCh38, 1-based): chr6:129,328,412, G>A. VCF-style: chr6-129328412-G-A. GRCh37 (hg19) VCF-style: chr6-129649557-G-A.
Other names: c.4311G>A, p.Gln1437= (NM_001079823.2).
Identifiers: ClinVar variation 477472 (VCV000477472.9), dbSNP rs1047569721, ClinGen allele CA146890401.